The following is an entry in ClinVar:

NM_000090.4(COL3A1):c.528+2T>G

Gene: COL3A1 (collagen type III alpha 1 chain; plus strand). Cytogenetic location: 2q32.2.
Variant type: single nucleotide variant.
Coding change: c.528+2T>G on transcript NM_000090.4 (MANE Select); the canonical splice donor site of the intron after coding-DNA position 528, T replaced by G.
Molecular consequence: splice donor variant.
Genome position (GRCh38, 1-based): chr2:188,987,141, T>G. VCF-style: chr2-188987141-T-G. GRCh37 (hg19) VCF-style: chr2-189851867-T-G.
Identifiers: ClinVar variation 4806546 (VCV004806546.1).

ClinVar aggregate classification (germline): Likely pathogenic (1 of 4 stars; one submission).

Conditions:
Ehlers-Danlos syndrome, type 4 (EDSVASC). Also called: Ehlers-Danlos syndrome vascular type; Ehlers Danlos syndrome, ecchymotic type; Ehlers Danlos syndrome, arterial type; Ehlers Danlos syndrome, Sack-Barabas type; Ehlers-Danlos Syndrome Type IV. Identifiers: Orphanet 286, MedGen C0268338, MONDO:0017314, OMIM 130050.

Submission:

Labcorp Genetics (formerly Invitae), Labcorp
Classification: Likely pathogenic for Ehlers-Danlos syndrome, type 4. Last evaluated: 2025-12-17. Review status: criteria provided, single submitter. Criteria: Invitae Variant Classification Sherloc (09022015). Collection method: clinical testing. Allele origin: germline.
Comment: This sequence change affects a donor splice site in intron 5 of the COL3A1 gene. It is expected to disrupt RNA splicing. Variants that disrupt the donor or acceptor splice site typically lead to a loss of protein function (PMID: 16199547), and loss-of-function variants in COL3A1 are known to be pathogenic (PMID: 24922459). This variant is not present in population databases (gnomAD no frequency). This variant has not been reported in the literature in individuals affected with COL3A1-related conditions. Algorithms developed to predict the effect of sequence changes on RNA splicing suggest that this variant may disrupt the consensus splice site. In summary, the currently available evidence indicates that the variant is pathogenic, but additional data are needed to prove that conclusively. Therefore, this variant has been classified as Likely Pathogenic.

Literature cited by the submitters: PubMed 16199547; PubMed 24922459.